The following is an entry in ClinVar:

ClinVar aggregate classification (germline): Pathogenic/Likely pathogenic. Review status: criteria provided, multiple submitters, no conflicts (2 of 4 stars). 2 submissions from 2 submitters: Pathogenic (1); Likely pathogenic (1). Last evaluated 2025-01-06.

Conditions:
Mucopolysaccharidosis, MPS-II (MPS2). Also called: IDURONATE 2-SULFATASE DEFICIENCY; Mucopolysaccharidosis Type II; Mucopolysaccharidosis type 2; IDS deficiency; Sulfoiduronate sulfatase deficiency; SIDS deficiency. Identifiers: Orphanet 580, Orphanet 79388, MedGen C0026705, MONDO:0010674, OMIM 309900.

Submissions (2):

Revvity Omics, Revvity
Classification: Likely pathogenic for Mucopolysaccharidosis, MPS-II. Last evaluated: 2025-01-06. Review status: criteria provided, single submitter. Criteria: ACMG Guidelines, 2015. Collection method: clinical testing. Allele origin: germline.

Labcorp Genetics (formerly Invitae), Labcorp
Classification: Pathogenic for Mucopolysaccharidosis, MPS-II. Last evaluated: 2022-07-19. Review status: criteria provided, single submitter. Criteria: Invitae Variant Classification Sherloc (09022015). Collection method: clinical testing. Allele origin: germline.
Comment: For these reasons, this variant has been classified as Pathogenic. This variant disrupts a region of the IDS protein in which other variant(s) (p.Asp45His) have been determined to be pathogenic (PMID: 26762690; Invitae). This suggests that this is a clinically significant region of the protein, and that variants that disrupt it are likely to be disease-causing. ClinVar contains an entry for this variant (Variation ID: 1440174). Disruption of the initiator codon has been observed in individual(s) with mucopolysaccharidosis type II (PMID: 9762601). This variant is not present in population databases (gnomAD no frequency). This sequence change affects the initiator methionine of the IDS mRNA. The next in-frame methionine is located at codon 131.

Literature cited by the submitters: PubMed 26762690 (cited by Labcorp Genetics (formerly Invitae), Labcorp); PubMed 9762601 (cited by Labcorp Genetics (formerly Invitae), Labcorp).

NM_000202.8(IDS):c.2T>C (p.Met1Thr)

Genes: IDS (iduronate 2-sulfatase; minus strand), LOC130068781 (ATAC-STARR-seq lymphoblastoid active region 30015; plus strand). Cytogenetic location: Xq28.
Variant type: single nucleotide variant.
Coding change: c.2T>C on transcript NM_000202.8 (MANE Select); coding-DNA position 2, T replaced by C.
Protein change: p.Met1Thr; changes the start codon (methionine 1).
Molecular consequence: missense variant, initiator codon variant. On other transcripts: 5 prime UTR variant (1), non-coding transcript variant (1).
Genome position (GRCh38, 1-based): chrX:149,505,136, A>G on the plus strand (T>C on the coding strand, the complement: IDS is on the minus strand). VCF-style: chrX-149505136-A-G. GRCh37 (hg19) VCF-style: chrX-148586666-A-G.
Other names: c.-225T>C (NM_001166550.4); c.2T>C, p.Met1Thr (NM_006123.5); short protein forms M1T.
Identifiers: ClinVar variation 1440174 (VCV001440174.7), dbSNP rs2124069617, ClinGen allele CA414528847.